The following is an entry in ClinVar:

ClinVar aggregate classification (germline): Uncertain significance. Review status: criteria provided, multiple submitters, no conflicts (2 of 4 stars). 3 submissions from 3 submitters: Uncertain significance (3). Last evaluated 2024-12-06.

Conditions:
SLC27A5-related disorder. Also called: SLC27A5-related condition.

Allele frequency attached by ClinVar (database versions not stated): gnomAD exomes 0.00010 and 0.00029; ExAC 0.00013; gnomAD 0.00017; ESP Exome Variant Server 0.00023; TOPMed 0.00023.
gnomAD v4.1: 453 of 1,600,192 alleles (0.028%); highest among the groups gnomAD compares: Non-Finnish European, 0.036%; 1 homozygote.

Submissions (3):

PreventionGenetics, part of Exact Sciences
Classification: Uncertain significance for SLC27A5-related condition. Last evaluated: 2024-12-06. Review status: criteria provided, single submitter. Criteria: ACMG Guidelines, 2015. Collection method: clinical testing. Allele origin: germline.
Comment: The SLC27A5 c.695G>A variant is predicted to result in the amino acid substitution p.Arg232Gln. To our knowledge, this variant has not been reported in the literature. This variant is reported in 0.020% of alleles in individuals, including one homozygous individual, of European (Non-Finnish) descent in gnomAD, which may be too common to be causative. Although we suspect that this variant may be benign, at this time, the clinical significance of this variant is uncertain due to the absence of conclusive functional and genetic evidence.

Ambry Genetics
Classification: Uncertain significance. Last evaluated: 2024-11-08. Review status: criteria provided, single submitter. Criteria: Ambry Variant Classification Scheme 2023. Collection method: clinical testing. Allele origin: germline.

Eurofins Ntd Llc (ga)
Classification: Uncertain significance. Last evaluated: 2017-01-30. Review status: criteria provided, single submitter. Criteria: EGL Classification Definitions 2015. Collection method: clinical testing. Allele origin: germline. Observed: 1 variant allele, 1 heterozygote.

NM_012254.3(SLC27A5):c.695G>A (p.Arg232Gln)

Gene: SLC27A5 (solute carrier family 27 member 5; minus strand). Cytogenetic location: 19q13.43.
Variant type: single nucleotide variant.
Coding change: c.695G>A on transcript NM_012254.3 (MANE Select); coding-DNA position 695, G replaced by A.
Protein change: p.Arg232Gln; replaces arginine 232 with glutamine.
Molecular consequence: missense variant.
Genome position (GRCh38, 1-based): chr19:58,510,924, C>T on the plus strand (G>A on the coding strand, the complement: SLC27A5 is on the minus strand). VCF-style: chr19-58510924-C-T. GRCh37 (hg19) VCF-style: chr19-59022291-C-T.
Other names: c.443G>A, p.Arg148Gln (NM_001321196.2); c.695G>A (NM_012254.2); short protein forms R232Q, R148Q.
Identifiers: ClinVar variation 500204 (VCV000500204.10), dbSNP rs143789846, ClinGen allele CA9718224.